The following is an entry in ClinVar:

ClinVar aggregate classification (germline): Uncertain significance (1 of 4 stars; one submission).

Submission:

Labcorp Genetics (formerly Invitae), Labcorp
Classification: Uncertain significance. Last evaluated: 2024-07-20. Review status: criteria provided, single submitter. Criteria: Invitae Variant Classification Sherloc (09022015). Collection method: clinical testing. Allele origin: germline.
Comment: This variant, c.252_263del, results in the deletion of 4 amino acid(s) of the FBXO11 protein (p.Asp84_Ala87del), but otherwise preserves the integrity of the reading frame. This variant is not present in population databases (gnomAD no frequency). This variant has not been reported in the literature in individuals affected with FBXO11-related conditions. Experimental studies and prediction algorithms are not available or were not evaluated, and the functional significance of this variant is currently unknown. In summary, the available evidence is currently insufficient to determine the role of this variant in disease. Therefore, it has been classified as a Variant of Uncertain Significance.

NM_001190274.2(FBXO11):c.252_263del (p.Asp84_Ala87del)

Gene: FBXO11 (F-box protein 11; minus strand). Cytogenetic location: 2p16.3.
Variant type: Deletion.
Coding change: c.252_263del on transcript NM_001190274.2 (MANE Select); coding-DNA positions 252 to 263, 12 bases deleted (TATGGTTGCAGA).
Protein change: p.Asp84_Ala87del.
Molecular consequence: initiator codon variant (on NM_001374325.1).
Genome position (GRCh38, 1-based): chr2:47,839,739-47,839,750, TCTGCAACCATA deleted on the plus strand (TATGGTTGCAGA on the coding strand, the reverse complement: FBXO11 is on the minus strand); deleting any 12 consecutive bases within chr2:47,839,739-47,839,756 gives the same sequence; the c. name uses the placement nearest the transcript's 3' end. VCF-style (leftmost placement, unchanged base first): chr2-47839738-TTCTGCAACCATA-T. GRCh37 (hg19) VCF-style: chr2-48066877-TTCTGCAACCATA-T.
Other names: c.-1_11del, p.Met1_Glu4del (NM_001374325.1, NM_025133.4).
Identifiers: ClinVar variation 3660002 (VCV003660002.2).